The following is an entry in ClinVar:

NM_001385662.1(OR52N5):c.499_500del (p.Pro167fs)

Genes: OR52N5 (olfactory receptor family 52 subfamily N member 5; minus strand), TRIM5 (tripartite motif containing 5; minus strand). Cytogenetic location: 11p15.4.
Variant type: Deletion.
Coding change: c.499_500del on transcript NM_001385662.1 (MANE Select); coding-DNA positions 499 to 500, 2 bases deleted (CC; older notation c.499_500delCC).
Protein change: p.Pro167fs; shifts the reading frame from proline 167.
Molecular consequence: frameshift variant.
Genome position (GRCh38, 1-based): chr11:5,778,135-5,778,136, GG deleted on the plus strand (CC on the coding strand, the reverse complement: OR52N5 is on the minus strand). VCF-style (leftmost placement, unchanged base first): chr11-5778134-AGG-A. GRCh37 (hg19) VCF-style: chr11-5799364-AGG-A.
Other names: c.499_500del, p.Pro167fs (NM_001001922.2); short protein forms P167fs.
Identifiers: ClinVar variation 2641543 (VCV002641543.24), dbSNP rs747397426, ClinGen allele CA5846696.

ClinVar aggregate classification (germline): Likely benign (1 of 4 stars; one submission).

Allele frequency attached by ClinVar (database versions not stated): gnomAD 0.00001; gnomAD exomes 0.00005; ESP Exome Variant Server 0.00017; ExAC 0.00024.

Submission:

CeGaT Center for Human Genetics Tuebingen
Classification: Likely benign. Last evaluated: 2022-12-01. Review status: criteria provided, single submitter. Criteria: CeGaT Center For Human Genetics Tuebingen Variant Classification Criteria Version 2. Collection method: clinical testing. Allele origin: germline. Affected: yes. Observed: 1 variant allele.
Comment: OR52N5: BS2; TRIM5: BS2